The following is an entry in ClinVar:

NM_003873.7(NRP1):c.431-3T>C

Genes: NRP1 (neuropilin 1; minus strand), LOC126860910 (P300/CBP strongly-dependent group 1 enhancer GRCh37_chr10:33552654-33553853; plus strand). Cytogenetic location: 10p11.22.
Variant type: single nucleotide variant.
Coding change: c.431-3T>C on transcript NM_003873.7 (MANE Select); 3 bases into the intron before coding-DNA position 431, T replaced by C.
Molecular consequence: intron variant.
Genome position (GRCh38, 1-based): chr10:33,263,876, A>G on the plus strand (T>C on the coding strand, the complement: NRP1 is on the minus strand). VCF-style: chr10-33263876-A-G. GRCh37 (hg19) VCF-style: chr10-33552804-A-G.
Other names: c.431-3T>C (NM_001244973.2, NM_001244972.2, NM_001330068.2 and 2 more transcripts).
Identifiers: ClinVar variation 3354002 (VCV003354002.1).

ClinVar aggregate classification (germline): Likely benign (0 of 4 stars; one submission).

Conditions:
NRP1-related disorder. Also called: NRP1-related condition.

gnomAD v4.1: 9 of 1,585,016 alleles (0.00057%); highest among the groups gnomAD compares: East Asian, 0.0089%; no homozygotes.

Submission:

PreventionGenetics, part of Exact Sciences
Classification: Likely benign for NRP1-related condition. Last evaluated: 2024-06-12. Review status: no assertion criteria provided. Collection method: clinical testing. Allele origin: germline.
Comment: This variant is classified as likely benign based on ACMG/AMP sequence variant interpretation guidelines (Richards et al. 2015 PMID: 25741868, with internal and published modifications).